The following is an entry in ClinVar:

NM_001372078.1(REV3L):c.6044A>T (p.Glu2015Val)

Gene: REV3L (REV3 like, DNA directed polymerase zeta catalytic subunit; minus strand). Cytogenetic location: 6q21.
Variant type: single nucleotide variant.
Coding change: c.6044A>T on transcript NM_001372078.1 (MANE Select); coding-DNA position 6044, A replaced by T.
Protein change: p.Glu2015Val; replaces glutamic acid 2015 with valine.
Molecular consequence: missense variant.
Genome position (GRCh38, 1-based): chr6:111,367,744, T>A on the plus strand (A>T on the coding strand, the complement: REV3L is on the minus strand). VCF-style: chr6-111367744-T-A. GRCh37 (hg19) VCF-style: chr6-111688947-T-A.
Other names: c.5810A>T, p.Glu1937Val (NM_001286431.2, NM_001286432.2); c.6044A>T, p.Glu2015Val (NM_002912.5); short protein forms E1937V, E2015V.
Identifiers: ClinVar variation 709899 (VCV000709899.20), dbSNP rs17539692, ClinGen allele CA3961771.

ClinVar aggregate classification (germline): Benign/Likely benign. Review status: criteria provided, multiple submitters, no conflicts (2 of 4 stars). 4 submissions from 4 submitters: Benign (1); Likely benign (2). 1 of the submissions does not count toward it. Last evaluated 2024-09-01.

Conditions:
REV3L-related disorder. Also called: REV3L-related condition.

Allele frequency attached by ClinVar (database versions not stated): 1000 Genomes Project 0.00040; 1000 Genomes Project 30x 0.00047; TOPMed 0.00141; gnomAD 0.00167 and 0.00174; gnomAD exomes 0.00172 and 0.00193; ExAC 0.00189; ESP Exome Variant Server 0.00208.
gnomAD v4.1: 3,062 of 1,614,172 alleles (0.19%); highest among the groups gnomAD compares: Middle Eastern, 0.23%; 7 homozygotes.

Submissions (4):

CeGaT Center for Human Genetics Tuebingen
Classification: Benign. Last evaluated: 2024-09-01. Review status: criteria provided, single submitter. Criteria: CeGaT Center For Human Genetics Tuebingen Variant Classification Criteria Version 2. Collection method: clinical testing. Allele origin: germline. Affected: yes. Observed: 1 variant allele.
Comment: REV3L: BP4, BS1, BS2

Labcorp Genetics (formerly Invitae), Labcorp
Classification: Likely benign. Last evaluated: 2019-12-31. Review status: criteria provided, single submitter. Criteria: Invitae Variant Classification Sherloc (09022015). Collection method: clinical testing. Allele origin: germline.

Breakthrough Genomics
Classification: Likely benign. Review status: criteria provided, single submitter. Criteria: ACMG Guidelines, 2015. Collection method: not provided. Allele origin: germline. Inheritance: Unknown mechanism. Affected: yes.

PreventionGenetics, part of Exact Sciences
Classification: Likely benign for REV3L-related condition. Last evaluated: 2022-02-23. Review status: no assertion criteria provided. Collection method: clinical testing. Allele origin: germline. Not counted in ClinVar's aggregate classification.
Comment: This variant is classified as likely benign based on ACMG/AMP sequence variant interpretation guidelines (Richards et al. 2015 PMID: 25741868, with internal and published modifications).